The following is an entry in ClinVar:

NM_000465.4(BARD1):c.283_291del (p.Leu95_Ile97del)

Gene: BARD1 (BRCA1 associated RING domain 1; minus strand). Cytogenetic location: 2q35.
Variant type: Deletion.
Coding change: c.283_291del on transcript NM_000465.4 (MANE Select); coding-DNA positions 283 to 291, 9 bases deleted (TTGAAGATA; older notation c.283_291delTTGAAGATA).
Protein change: p.Leu95_Ile97del.
Molecular consequence: inframe deletion. On other transcripts: non-coding transcript variant (1), intron variant (2).
Genome position (GRCh38, 1-based): chr2:214,792,370-214,792,378, TATCTTCAA deleted on the plus strand (TTGAAGATA on the coding strand, the reverse complement: BARD1 is on the minus strand). VCF-style (leftmost placement, unchanged base first): chr2-214792369-TTATCTTCAA-T. GRCh37 (hg19) VCF-style: chr2-215657093-TTATCTTCAA-T.
Other names: c.226_234del, p.Leu76_Ile78del (NM_001282543.2); c.283_291del, p.Leu95_Ile97del (NM_001282549.2); c.158+17034_158+17042del (NM_001282548.2); c.215+4683_215+4691del (NM_001282545.2).
Identifiers: ClinVar variation 971610 (VCV000971610.10), dbSNP rs1695560646, ClinGen allele CA1139655679.
Genomic context (GRCh38, chr2:214,792,369, plus strand): 5'-TGTCATGTAGCAAATTTCGAAGCTTACTACAAAGTTGAATCATGCTGTCCAGTTGTCTAT[TTATCTTCAA>T]GTCTTGTATCCAGGCCGGGGTGTAACACACTGGACATCCAGTTCCAATGCAGTCACTTAC-3'

ClinVar aggregate classification (germline): Uncertain significance (1 of 4 stars; one submission).

Conditions:
Familial cancer of breast. Also called: hereditary breast carcinoma; Hereditary breast cancer; BREAST CANCER, FAMILIAL. Identifiers: Orphanet 227535, MedGen C0346153, MONDO:0016419, OMIM 114480. Disease mechanism: loss of function.

Submission:

Labcorp Genetics (formerly Invitae), Labcorp
Classification: Uncertain significance for Familial cancer of breast. Last evaluated: 2025-10-23. Review status: criteria provided, single submitter. Criteria: Invitae Variant Classification Sherloc (09022015). Collection method: clinical testing. Allele origin: germline.
Comment: This variant, c.283_291del, results in the deletion of 3 amino acid(s) of the BARD1 protein (p.Leu95_Ile97del), but otherwise preserves the integrity of the reading frame. This variant is not present in population databases (gnomAD no frequency). This variant has not been reported in the literature in individuals affected with BARD1-related conditions. ClinVar contains an entry for this variant (Variation ID: 971610). Experimental studies and prediction algorithms are not available or were not evaluated, and the functional significance of this variant is currently unknown. In summary, the available evidence is currently insufficient to determine the role of this variant in disease. Therefore, it has been classified as a Variant of Uncertain Significance.